The following is an entry in ClinVar:

ClinVar aggregate classification (germline): Benign/Likely benign. Review status: criteria provided, multiple submitters, no conflicts (2 of 4 stars). 6 submissions from 6 submitters: Benign (5); Likely benign (1). Last evaluated 2026-02-04.

Conditions:
Deficiency of steroid 11-beta-monooxygenase (CYP11B1). Also called: ADRENAL HYPERPLASIA IV; P450C11B1 DEFICIENCY; 11-BETA-HYDROXYLASE DEFICIENCY; Congenital adrenal hyperplasia due to 11-beta-hydroxylase deficiency; ADRENAL HYPERPLASIA, CONGENITAL, DUE TO STEROID 11-BETA-HYDROXYLASE DEFICIENCY; STEROID 11-BETA-HYDROXYLASE DEFICIENCY. Identifiers: Orphanet 90795, MedGen C0268292, MONDO:0008729, OMIM 202010. Disease mechanism: loss of function.

Allele frequency attached by ClinVar (database versions not stated): ESP Exome Variant Server 0.02084; gnomAD 0.03859 and 0.04783; gnomAD exomes 0.04125 and 0.08452; TOPMed 0.05056; ExAC 0.07995; 1000 Genomes Project 30x 0.13757; 1000 Genomes Project 0.14657.

Submissions (6):

Labcorp Genetics (formerly Invitae), Labcorp
Classification: Benign. Last evaluated: 2026-02-04. Review status: criteria provided, single submitter. Criteria: Invitae Variant Classification Sherloc (09022015). Collection method: clinical testing. Allele origin: germline.

Athena Diagnostics
Classification: Benign. Last evaluated: 2025-01-13. Review status: criteria provided, single submitter. Criteria: Athena Diagnostics Criteria. Collection method: clinical testing. Allele origin: unknown.
Comment: The frequency of this variant in the general population is higher than would generally be expected for pathogenic variants in this gene.

Blueprint Genetics
Classification: Likely benign. Last evaluated: 2024-11-27. Review status: criteria provided, single submitter. Criteria: ACMG Guidelines, 2015. Collection method: clinical testing. Allele origin: germline.

GeneDx
Classification: Benign. Last evaluated: 2021-05-14. Review status: criteria provided, single submitter. Criteria: GeneDx Variant Classification Process June 2021. Collection method: clinical testing. Allele origin: germline. Affected: yes.

Department of Human Genetics, Laborarztpraxis Dres. Walther, Weindel und Kollegen
Classification: Benign for Deficiency of steroid 11-beta-monooxygenase. Last evaluated: 2020-04-17. Review status: criteria provided, single submitter. Criteria: ACMG Guidelines, 2015. Collection method: clinical testing. Allele origin: germline. Affected: yes.
Comment: This variant is classified as benign because the population frequency is too high to be a pathogenic mutation (>= 5%).

Breakthrough Genomics
Classification: Benign. Review status: criteria provided, single submitter. Criteria: ACMG Guidelines, 2015. Collection method: not provided. Allele origin: germline. Inheritance: Autosomal recessive inheritance. Affected: yes.

NM_000497.4(CYP11B1):c.239+20T>A

Gene: CYP11B1 (cytochrome P450 family 11 subfamily B member 1; minus strand). Cytogenetic location: 8q24.3.
Variant type: single nucleotide variant.
Coding change: c.239+20T>A on transcript NM_000497.4 (MANE Select); 20 bases into the intron after coding-DNA position 239, T replaced by A.
Molecular consequence: intron variant.
Genome position (GRCh38, 1-based): chr8:142,879,555, A>T on the plus strand (T>A on the coding strand, the complement: CYP11B1 is on the minus strand). VCF-style: chr8-142879555-A-T. GRCh37 (hg19) VCF-style: chr8-143960971-A-T.
Other names: c.239+20T>A (NM_001026213.1).
Identifiers: ClinVar variation 973507 (VCV000973507.15), dbSNP rs6388, ClinGen allele CA4905671.
Genomic context (GRCh38, chr8:142,879,555, plus strand): 5'-AGTGCTGAGTGCCCGGCAGGGTCCTGGGCAGCAAGGGCAGGGCTCTGGGTGTTCCCAGCG[A>T]GGGCCAGGGAGGGCTTTACCTGAAAATGGGCCCTAGTTCCTGGAAGGTCTGGTGTACTTC-3'